The following is an entry in ClinVar:

ClinVar aggregate classification (germline): Uncertain significance. Review status: criteria provided, multiple submitters, no conflicts (2 of 4 stars). 2 submissions from 2 submitters: Uncertain significance (2). Last evaluated 2024-12-19.

Conditions:
NLGN3-related disorder. Also called: NLGN3-related condition.

Allele frequency attached by ClinVar (database versions not stated): gnomAD exomes below 0.00001; ExAC 0.00001.
gnomAD v4.1: 1 of 1,211,291 alleles (0.000083%); highest among the groups gnomAD compares: Non-Finnish European, 0.00011%; no homozygotes.

Submissions (2):

GeneDx
Classification: Uncertain significance. Last evaluated: 2024-12-19. Review status: criteria provided, single submitter. Criteria: GeneDx Variant Classification Process June 2021. Collection method: clinical testing. Allele origin: germline. Affected: yes.
Comment: Not observed at significant frequency in large population cohorts (gnomAD); In silico analysis indicates that this missense variant does not alter protein structure/function; Has not been previously published as pathogenic or benign to our knowledge

PreventionGenetics, part of Exact Sciences
Classification: Uncertain significance for NLGN3-related condition. Last evaluated: 2023-04-27. Review status: criteria provided, single submitter. Criteria: ACMG Guidelines, 2015. Collection method: clinical testing. Allele origin: germline.
Comment: The NLGN3 c.1414G>A variant is predicted to result in the amino acid substitution p.Asp472Asn. To our knowledge, this variant has not been reported in the literature. This variant is reported in 0.0012% of alleles in individuals of European (Non-Finnish) descent in gnomAD. At this time, the clinical significance of this variant is uncertain due to the absence of conclusive functional and genetic evidence.

NM_181303.2(NLGN3):c.1474G>A (p.Asp492Asn)

Gene: NLGN3 (neuroligin 3; plus strand). Cytogenetic location: Xq13.1.
Variant type: single nucleotide variant.
Coding change: c.1474G>A on transcript NM_181303.2 (MANE Select); coding-DNA position 1474, G replaced by A.
Protein change: p.Asp492Asn; replaces aspartic acid 492 with asparagine.
Molecular consequence: missense variant.
Genome position (GRCh38, 1-based): chrX:71,167,571, G>A. VCF-style: chrX-71167571-G-A. GRCh37 (hg19) VCF-style: chrX-70387421-G-A.
Other names: c.1354G>A, p.Asp452Asn (NM_001166660.2); c.1063G>A, p.Asp355Asn (NM_001321276.2); c.1414G>A, p.Asp472Asn (NM_018977.4); c.1414G>A (NM_018977.2); short protein forms D355N, D452N, D472N, D492N.
Identifiers: ClinVar variation 2629245 (VCV002629245.2), dbSNP rs771113237, ClinGen allele CA10445134.
Genomic context (GRCh38, chrX:71,167,571, plus strand): 5'-AAAACACTGGTGGCACTCTTCACTGACCACCAGTGGGTGGAGCCCTCAGTGGTGACAGCC[G>A]ATCTGCATGCCCGCTACGGCTCGCCTACCTACTTCTACGCCTTCTATCATCACTGCCAGA-3'
Protein context (NP_851820.1, residues 482-502): QWVEPSVVTA[Asp492Asn]LHARYGSPTY